The following is an entry in ClinVar:

ClinVar aggregate classification (germline): Uncertain significance (1 of 4 stars; one submission).

Conditions:
Aortic valve disease 2 (AOVD2). Identifiers: MedGen C3542024, MONDO:0013902, OMIM 614823.

Submission:

Labcorp Genetics (formerly Invitae), Labcorp
Classification: Uncertain significance for Aortic valve disease 2. Last evaluated: 2022-06-14. Review status: criteria provided, single submitter. Criteria: Invitae Variant Classification Sherloc (09022015). Collection method: clinical testing. Allele origin: germline.
Comment: In summary, the available evidence is currently insufficient to determine the role of this variant in disease. Therefore, it has been classified as a Variant of Uncertain Significance. Algorithms developed to predict the effect of missense changes on protein structure and function are either unavailable or do not agree on the potential impact of this missense change (SIFT: "Tolerated"; PolyPhen-2: "Possibly Damaging"; Align-GVGD: "Class C0"). This variant has not been reported in the literature in individuals affected with SMAD6-related conditions. This variant is not present in population databases (gnomAD no frequency). This sequence change replaces glutamine, which is neutral and polar, with lysine, which is basic and polar, at codon 352 of the SMAD6 protein (p.Gln352Lys).

NM_005585.5(SMAD6):c.1054C>A (p.Gln352Lys)

Gene: SMAD6 (SMAD family member 6; plus strand). Cytogenetic location: 15q22.31.
Variant type: single nucleotide variant.
Coding change: c.1054C>A on transcript NM_005585.5 (MANE Select); coding-DNA position 1054, C replaced by A.
Protein change: p.Gln352Lys; replaces glutamine 352 with lysine.
Molecular consequence: missense variant. On other transcripts: non-coding transcript variant (1).
Genome position (GRCh38, 1-based): chr15:66,781,098, C>A. VCF-style: chr15-66781098-C-A. GRCh37 (hg19) VCF-style: chr15-67073436-C-A.
Other names: short protein forms Q352K.
Identifiers: ClinVar variation 1979330 (VCV001979330.4), dbSNP rs888326968, ClinGen allele CA272023305.